The following is an entry in ClinVar:

ClinVar aggregate classification (germline): Likely benign (1 of 4 stars; one submission).

Allele frequency attached by ClinVar (database versions not stated): ExAC 0.00006; ESP Exome Variant Server 0.00008; gnomAD exomes 0.00030.
gnomAD v4.1: 449 of 1,581,682 alleles (0.028%); highest among the groups gnomAD compares: Non-Finnish European, 0.036%; no homozygotes.

Submission:

CeGaT Center for Human Genetics Tuebingen
Classification: Likely benign. Last evaluated: 2022-10-01. Review status: criteria provided, single submitter. Criteria: CeGaT Center For Human Genetics Tuebingen Variant Classification Criteria Version 2. Collection method: clinical testing. Allele origin: germline. Affected: yes. Observed: 1 variant allele.
Comment: VPS51: BP4, BP7

NM_013265.4(VPS51):c.1683G>C (p.Val561=)

Gene: VPS51 (VPS51 subunit of GARP complex; plus strand). Cytogenetic location: 11q13.1.
Variant type: single nucleotide variant.
Coding change: c.1683G>C on transcript NM_013265.4 (MANE Select); coding-DNA position 1683, G replaced by C.
Protein change: p.Val561=; no amino-acid change (valine 561 retained).
Molecular consequence: synonymous variant. On other transcripts: non-coding transcript variant (1).
Genome position (GRCh38, 1-based): chr11:65,109,728, G>C. VCF-style: chr11-65109728-G-C. GRCh37 (hg19) VCF-style: chr11-64877200-G-C.
Identifiers: ClinVar variation 2641947 (VCV002641947.24), dbSNP rs146532296, ClinGen allele CA6090645.